The following is an entry in ClinVar:

ClinVar aggregate classification (germline): Uncertain significance (1 of 4 stars; one submission).

Conditions:
Landau-Kleffner syndrome (FESD). Also called: APHASIA, ACQUIRED, WITH EPILEPSY; EPILEPSY, FOCAL, WITH SPEECH DISORDER AND WITH OR WITHOUT MENTAL RETARDATION. Identifiers: Orphanet 1945, Orphanet 725, Orphanet 98818, MedGen C0282512, MONDO:0009509, OMIM 245570.

gnomAD v4.1: 1 of 1,614,102 alleles (0.000062%); highest among the groups gnomAD compares: Non-Finnish European, 0.000085%; no homozygotes.

Submission:

Labcorp Genetics (formerly Invitae), Labcorp
Classification: Uncertain significance for Landau-Kleffner syndrome. Last evaluated: 2024-01-27. Review status: criteria provided, single submitter. Criteria: Invitae Variant Classification Sherloc (09022015). Collection method: clinical testing. Allele origin: germline.
Comment: This sequence change replaces aspartic acid, which is acidic and polar, with glycine, which is neutral and non-polar, at codon 66 of the GRIN2A protein (p.Asp66Gly). This variant is not present in population databases (gnomAD no frequency). This variant has not been reported in the literature in individuals affected with GRIN2A-related conditions. Advanced modeling of protein sequence and biophysical properties (such as structural, functional, and spatial information, amino acid conservation, physicochemical variation, residue mobility, and thermodynamic stability) has been performed at Invitae for this missense variant, however the output from this modeling did not meet the statistical confidence thresholds required to predict the impact of this variant on GRIN2A protein function. In summary, the available evidence is currently insufficient to determine the role of this variant in disease. Therefore, it has been classified as a Variant of Uncertain Significance.

NM_001134407.3(GRIN2A):c.197A>G (p.Asp66Gly)

Gene: GRIN2A (glutamate ionotropic receptor NMDA type subunit 2A; minus strand). Cytogenetic location: 16p13.2.
Variant type: single nucleotide variant.
Coding change: c.197A>G on transcript NM_001134407.3 (MANE Select); coding-DNA position 197, A replaced by G.
Protein change: p.Asp66Gly; replaces aspartic acid 66 with glycine.
Molecular consequence: missense variant.
Genome position (GRCh38, 1-based): chr16:10,180,215, T>C on the plus strand (A>G on the coding strand, the complement: GRIN2A is on the minus strand). VCF-style: chr16-10180215-T-C. GRCh37 (hg19) VCF-style: chr16-10274072-T-C.
Other names: c.197A>G, p.Asp66Gly (NM_000833.5, NM_001134408.2); short protein forms D66G.
Identifiers: ClinVar variation 2723406 (VCV002723406.3), dbSNP rs2544031535, ClinGen allele CA394715535.